The following is an entry in ClinVar:

ClinVar aggregate classification (germline): Uncertain significance. Review status: criteria provided, multiple submitters, no conflicts (2 of 4 stars). 6 submissions from 6 submitters: Uncertain significance (5). 1 of the submissions does not count toward it. Last evaluated 2026-01-13.

Conditions:
Hereditary cancer-predisposing syndrome. Also called: Hereditary neoplastic syndrome; Neoplastic Syndromes, Hereditary; Hereditary Cancer Syndrome; Tumor predisposition. Identifiers: Orphanet 140162, MedGen C0027672, MeSH D009386, MONDO:0015356.
Nijmegen breakage syndrome-like disorder (NBSLD). Also called: MICROCEPHALY AND SPONTANEOUS CHROMOSOME INSTABILITY WITHOUT IMMUNODEFICIENCY; NBS-LIKE DISORDER; RAD50 DEFICIENCY. Identifiers: Orphanet 240760, MedGen C2751318, MONDO:0013118, OMIM 613078.

Allele frequency attached by ClinVar (database versions not stated): ExAC 0.00005; gnomAD exomes 0.00006 and 0.00010; ESP Exome Variant Server 0.00008; gnomAD 0.00008 and 0.00009; TOPMed 0.00008.
gnomAD v4.1: 152 of 1,611,322 alleles (0.0094%); highest among the groups gnomAD compares: Non-Finnish European, 0.012%; 1 homozygote.

Submissions (6):

Labcorp Genetics (formerly Invitae), Labcorp
Classification: Uncertain significance for Hereditary cancer-predisposing syndrome. Last evaluated: 2026-01-13. Review status: criteria provided, single submitter. Criteria: Invitae Variant Classification Sherloc (09022015). Collection method: clinical testing. Allele origin: germline.
Comment: This sequence change replaces isoleucine, which is neutral and non-polar, with threonine, which is neutral and polar, at codon 947 of the RAD50 protein (p.Ile947Thr). This variant is present in population databases (rs150401251, gnomAD 0.01%). This missense change has been observed in individual(s) with lung adenocarcinoma (PMID: 26689913). ClinVar contains an entry for this variant (Variation ID: 128013). Invitae Evidence Modeling of protein sequence and biophysical properties (such as structural, functional, and spatial information, amino acid conservation, physicochemical variation, residue mobility, and thermodynamic stability) indicates that this missense variant is not expected to disrupt RAD50 protein function with a negative predictive value of 80%. In summary, the available evidence is currently insufficient to determine the role of this variant in disease. Therefore, it has been classified as a Variant of Uncertain Significance.

Mayo Clinic Laboratories, Mayo Clinic
Classification: Uncertain significance. Last evaluated: 2025-12-16. Review status: criteria provided, single submitter. Criteria: ACMG Guidelines, 2015. Collection method: clinical testing. Allele origin: germline. Observed: 1 variant allele.
Comment: BP4_moderate

Women's Health and Genetics/Laboratory Corporation of America, LabCorp
Classification: Uncertain significance. Last evaluated: 2023-10-10. Review status: criteria provided, single submitter. Criteria: LabCorp Variant Classification Summary - May 2015. Collection method: clinical testing. Allele origin: germline.
Comment: Variant summary: RAD50 c.2840T>C (p.Ile947Thr) results in a non-conservative amino acid change in the encoded protein sequence. Three of five in-silico tools predict a damaging effect of the variant on protein function. The variant allele was found at a frequency of 6.5e-05 in 247912 control chromosomes, predominantly at a frequency of 0.00012 within the Non-Finnish European subpopulation in the gnomAD database. The observed variant frequency within Non-Finnish European control individuals in the gnomAD database is approximately 2-fold of the estimated maximal expected allele frequency for a pathogenic variant in RAD50 causing Hereditary Breast And Ovarian Cancer Syndrome phenotype (6.3e-05), suggesting that the variant could be a benign polymorphism found primarily in populations of Non-Finnish European origin. c.2840T>C has been reported in the literature in an individual affected with lung adenocarcinoma (Lu 2015), an individual with gastric cancer (Bruns_2022) and in an individual with an unspecified type of cancer from a cohort of patients who had a strong family history with at least two affected relatives (Sahin_2022). These reports do not provide unequivocal conclusions about association of the variant with Hereditary Breast And Ovarian Cancer Syndrome. To our knowledge, no experimental evidence demonstrating an impact on protein function has been reported. The following publications have been ascertained in the context of this evaluation (PMID: 35250968, 26689913, 35089076). Four submitters have cited clinical-significance assessments for this variant to ClinVar after 2014. All submitters classified the variant as uncertain significance. Based on the evidence outlined above, the variant was classified as VUS-possibly benign.

GeneDx
Classification: Uncertain significance. Last evaluated: 2023-06-14. Review status: criteria provided, single submitter. Criteria: GeneDx Variant Classification Process June 2021. Collection method: clinical testing. Allele origin: germline. Affected: yes.
Comment: Variants in candidate genes are classified as variants of uncertain significance in accordance with ACMG guidelines (Richards et al., 2015); In silico analysis supports that this missense variant does not alter protein structure/function; Has not been previously published as pathogenic or benign to our knowledge; This variant is associated with the following publications: (PMID: 26689913, Duzkale2020[article])

Ambry Genetics
Classification: Uncertain significance for Hereditary cancer-predisposing syndrome. Last evaluated: 2023-03-22. Review status: criteria provided, single submitter. Criteria: Ambry Variant Classification Scheme 2023. Collection method: clinical testing. Allele origin: germline.
Comment: The p.I947T variant (also known as c.2840T>C), located in coding exon 18 of the RAD50 gene, results from a T to C substitution at nucleotide position 2840. The isoleucine at codon 947 is replaced by threonine, an amino acid with similar properties. This amino acid position is well conserved in available vertebrate species. In addition, this alteration is predicted to be tolerated by in silico analysis. Since supporting evidence is limited at this time, the clinical significance of this alteration remains unclear.

Counsyl
Classification: Uncertain significance for Nijmegen breakage syndrome-like disorder. Last evaluated: 2016-07-09. Review status: no assertion criteria provided. Collection method: clinical testing. Allele origin: unknown. Not counted in ClinVar's aggregate classification.

Literature cited by the submitters: PubMed 26689913 (cited by 4 submitters); PubMed 35089076 (cited by Mayo Clinic Laboratories, Mayo Clinic and Women's Health and Genetics/Laboratory Corporation of America, LabCorp); PubMed 35250968 (cited by Mayo Clinic Laboratories, Mayo Clinic and Women's Health and Genetics/Laboratory Corporation of America, LabCorp).

NM_005732.4(RAD50):c.2840T>C (p.Ile947Thr)

Gene: RAD50 (RAD50 double strand break repair protein; plus strand). Cytogenetic location: 5q31.1.
Variant type: single nucleotide variant.
Coding change: c.2840T>C on transcript NM_005732.4 (MANE Select); coding-DNA position 2840, T replaced by C.
Protein change: p.Ile947Thr; replaces isoleucine 947 with threonine.
Molecular consequence: missense variant.
Genome position (GRCh38, 1-based): chr5:132,609,127, T>C. VCF-style: chr5-132609127-T-C. GRCh37 (hg19) VCF-style: chr5-131944819-T-C.
Other names: p.I947T:ATT>ACT; short protein forms I947T.
Identifiers: ClinVar variation 128013 (VCV000128013.25), dbSNP rs150401251, ClinGen allele CA331881.